The following is an entry in ClinVar:

NM_000170.3(GLDC):c.97C>T (p.Arg33Trp)

Gene: GLDC (glycine decarboxylase; minus strand). Cytogenetic location: 9p24.1.
Variant type: single nucleotide variant.
Coding change: c.97C>T on transcript NM_000170.3 (MANE Select); coding-DNA position 97, C replaced by T.
Protein change: p.Arg33Trp; replaces arginine 33 with tryptophan.
Molecular consequence: missense variant.
Genome position (GRCh38, 1-based): chr9:6,645,403, G>A on the plus strand (C>T on the coding strand, the complement: GLDC is on the minus strand). VCF-style: chr9-6645403-G-A. GRCh37 (hg19) VCF-style: chr9-6645403-G-A.
Other names: short protein forms R33W.
Identifiers: ClinVar variation 1935174 (VCV001935174.5), dbSNP rs1443669793, ClinGen allele CA372887160.

ClinVar aggregate classification (germline): Uncertain significance. Review status: criteria provided, single submitter (1 of 4 stars). 2 submissions from 2 submitters: Uncertain significance (1). 1 of the submissions does not count toward it. Last evaluated 2024-02-12.

Conditions:
Glycine encephalopathy. Also called: Non-ketotic hyperglycinemia; Nonketotic hyperglycinemia. Identifiers: Orphanet 407, MedGen C0751748, MONDO:0011612, HP:0008288.

Submissions (2):

Labcorp Genetics (formerly Invitae), Labcorp
Classification: Uncertain significance for Glycine encephalopathy. Last evaluated: 2024-02-12. Review status: criteria provided, single submitter. Criteria: Invitae Variant Classification Sherloc (09022015). Collection method: clinical testing. Allele origin: germline.
Comment: This sequence change replaces arginine, which is basic and polar, with tryptophan, which is neutral and slightly polar, at codon 33 of the GLDC protein (p.Arg33Trp). This variant is not present in population databases (gnomAD no frequency). This variant has not been reported in the literature in individuals affected with GLDC-related conditions. ClinVar contains an entry for this variant (Variation ID: 1935174). Advanced modeling of protein sequence and biophysical properties (such as structural, functional, and spatial information, amino acid conservation, physicochemical variation, residue mobility, and thermodynamic stability) performed at Invitae indicates that this missense variant is expected to disrupt GLDC protein function with a positive predictive value of 80%. In summary, the available evidence is currently insufficient to determine the role of this variant in disease. Therefore, it has been classified as a Variant of Uncertain Significance.

Natera, Inc.
Classification: Uncertain significance for Non-ketotic hyperglycinemia. Last evaluated: 2025-04-14. Review status: no assertion criteria provided. Collection method: clinical testing. Allele origin: germline. Not counted in ClinVar's aggregate classification.